The following is an entry in ClinVar:

NM_006361.6(HOXB13):c.72del (p.Arg25fs)

Gene: HOXB13 (homeobox B13; minus strand). Cytogenetic location: 17q21.32.
Variant type: Deletion.
Coding change: c.72del on transcript NM_006361.6 (MANE Select); coding-DNA position 72, one base deleted (G; older notation c.72delG).
Protein change: p.Arg25fs; shifts the reading frame from arginine 25.
Molecular consequence: frameshift variant.
Genome position (GRCh38, 1-based): chr17:48,728,522, C deleted on the plus strand (G on the coding strand, the reverse complement: HOXB13 is on the minus strand); the first of 6 consecutive C bases (chr17:48,728,522-48,728,527); deleting any one gives the same sequence. VCF-style (leftmost placement, unchanged base first): chr17-48728521-GC-G. GRCh37 (hg19) VCF-style: chr17-46805883-GC-G.
Other names: c.72delG (NM_006361.5); short protein forms R25fs.
Identifiers: ClinVar variation 999843 (VCV000999843.9), dbSNP rs1214089646, ClinGen allele CA2263242792.
Genomic context (GRCh38, chr17:48,728,521, plus strand): 5'-CAGGCATCAGCGTAGGCGCCGCTGGGTGGCTGGTCAGAGGGGAGTGGGCGACCAGATTCC[GC>G]CCCCCTCCCGCTCCCAGCAAGCCTTCGATATCCTTGGCTCCATCCAAGGTGGCATAATTG-3'

ClinVar aggregate classification (germline): Uncertain significance. Review status: criteria provided, multiple submitters, no conflicts (2 of 4 stars). 2 submissions from 2 submitters: Uncertain significance (2). Last evaluated 2025-01-24.

Conditions:
Hereditary cancer-predisposing syndrome. Also called: Neoplastic Syndromes, Hereditary; Tumor predisposition; Hereditary Cancer Syndrome; Hereditary neoplastic syndrome. Identifiers: Orphanet 140162, MedGen C0027672, MeSH D009386, MONDO:0015356.

Submissions (2):

Ambry Genetics
Classification: Uncertain significance for Hereditary cancer-predisposing syndrome. Last evaluated: 2025-01-24. Review status: criteria provided, single submitter. Criteria: Ambry Variant Classification Scheme 2023. Collection method: clinical testing. Allele origin: germline.
Comment: The c.72delG variant, located in coding exon 1 of the HOXB13 gene, results from a deletion of one nucleotide at nucleotide position 72, causing a translational frameshift with a predicted alternate stop codon (p.R25Gfs*9). This alteration was identified amongst a cohort of British prostate cancer patients (Ruan X et al. J Transl Med, 2023 Jul;21:446). This alteration is expected to result in protein truncation or nonsense-mediated mRNA decay. However, loss of function of HOXB13 has not been established as a mechanism of disease. Based on the available evidence, the clinical significance of this alteration remains unclear.

Labcorp Genetics (formerly Invitae), Labcorp
Classification: Uncertain significance. Last evaluated: 2024-11-03. Review status: criteria provided, single submitter. Criteria: Invitae Variant Classification Sherloc (09022015). Collection method: clinical testing. Allele origin: germline.
Comment: This sequence change creates a premature translational stop signal (p.Arg25Glyfs*9) in the HOXB13 gene. It is expected to result in an absent or disrupted protein product. However, the current clinical and genetic evidence is not sufficient to establish whether loss-of-function variants in HOXB13 cause disease. This variant is not present in population databases (gnomAD no frequency). This variant has not been reported in the literature in individuals affected with HOXB13-related conditions. ClinVar contains an entry for this variant (Variation ID: 999843). In summary, the available evidence is currently insufficient to determine the role of this variant in disease. Therefore, it has been classified as a Variant of Uncertain Significance.

Literature cited by the submitters: PubMed 37415201 (cited by Ambry Genetics).